The following is an entry in ClinVar:

ClinVar aggregate classification (germline): Likely benign (1 of 4 stars; one submission).

Allele frequency attached by ClinVar (database versions not stated): ExAC 0.00015.

Submission:

CeGaT Center for Human Genetics Tuebingen
Classification: Likely benign. Last evaluated: 2023-03-01. Review status: criteria provided, single submitter. Criteria: CeGaT Center For Human Genetics Tuebingen Variant Classification Criteria Version 2. Collection method: clinical testing. Allele origin: germline. Affected: yes. Observed: 2 variant alleles.
Comment: MAGEC1: BP4, BS2

NM_005462.5(MAGEC1):c.774T>A (p.Ser258Arg)

Gene: MAGEC1 (MAGE family member C1; plus strand). Cytogenetic location: Xq27.2.
Variant type: single nucleotide variant.
Coding change: c.774T>A on transcript NM_005462.5 (MANE Select); coding-DNA position 774, T replaced by A.
Protein change: p.Ser258Arg; replaces serine 258 with arginine.
Molecular consequence: missense variant.
Genome position (GRCh38, 1-based): chrX:141,906,178, T>A. VCF-style: chrX-141906178-T-A. GRCh37 (hg19) VCF-style: chrX-140993964-T-A.
Other names: short protein forms S258R.
Identifiers: ClinVar variation 2661561 (VCV002661561.24), dbSNP rs145720656, ClinGen allele CA10533336.